The following is an entry in ClinVar:

NM_024529.5(CDC73):c.10G>T (p.Val4Leu)

Gene: CDC73 (cell division cycle 73; plus strand). Cytogenetic location: 1q31.2.
Variant type: single nucleotide variant.
Coding change: c.10G>T on transcript NM_024529.5 (MANE Select); coding-DNA position 10, G replaced by T.
Protein change: p.Val4Leu; replaces valine 4 with leucine.
Molecular consequence: missense variant.
Genome position (GRCh38, 1-based): chr1:193,122,210, G>T. VCF-style: chr1-193122210-G-T. GRCh37 (hg19) VCF-style: chr1-193091340-G-T.
Other names: short protein forms V4L.
Identifiers: ClinVar variation 3488496 (VCV003488496.3).

ClinVar aggregate classification (germline): Uncertain significance. Review status: criteria provided, multiple submitters, no conflicts (2 of 4 stars). 2 submissions from 2 submitters: Uncertain significance (2). Last evaluated 2025-05-05.

Conditions:
Hereditary cancer-predisposing syndrome. Also called: Tumor predisposition; Neoplastic Syndromes, Hereditary; Hereditary Cancer Syndrome; Hereditary neoplastic syndrome. Identifiers: Orphanet 140162, MedGen C0027672, MeSH D009386, MONDO:0015356.
Parathyroid carcinoma (PRTC). Also called: CDC73-Related Parathyroid Carcinoma; Parathyroid gland carcinoma. Identifiers: Orphanet 143, MedGen C0687150, MONDO:0012004, OMIM 608266, HP:0006780.

gnomAD v4.1: 1 of 1,613,866 alleles (0.000062%); highest among the groups gnomAD compares: Non-Finnish European, 0.000085%; no homozygotes.

Submissions (2):

Labcorp Genetics (formerly Invitae), Labcorp
Classification: Uncertain significance for Parathyroid carcinoma. Last evaluated: 2025-05-05. Review status: criteria provided, single submitter. Criteria: Invitae Variant Classification Sherloc (09022015). Collection method: clinical testing. Allele origin: germline.
Comment: This sequence change replaces valine, which is neutral and non-polar, with leucine, which is neutral and non-polar, at codon 4 of the CDC73 protein (p.Val4Leu). This variant is not present in population databases (gnomAD no frequency). This variant has not been reported in the literature in individuals affected with CDC73-related conditions. ClinVar contains an entry for this variant (Variation ID: 3488496). Invitae Evidence Modeling of protein sequence and biophysical properties (such as structural, functional, and spatial information, amino acid conservation, physicochemical variation, residue mobility, and thermodynamic stability) indicates that this missense variant is not expected to disrupt CDC73 protein function with a negative predictive value of 80%. In summary, the available evidence is currently insufficient to determine the role of this variant in disease. Therefore, it has been classified as a Variant of Uncertain Significance.

Ambry Genetics
Classification: Uncertain significance for Hereditary cancer-predisposing syndrome. Last evaluated: 2024-11-22. Review status: criteria provided, single submitter. Criteria: Ambry Variant Classification Scheme 2023. Collection method: clinical testing. Allele origin: germline.
Comment: The p.V4L variant (also known as c.10G>T), located in coding exon 1 of the CDC73 gene, results from a G to T substitution at nucleotide position 10. The valine at codon 4 is replaced by leucine, an amino acid with highly similar properties. This amino acid position is conserved. In addition, the in silico prediction for this alteration is inconclusive. Based on the available evidence, the clinical significance of this variant remains unclear.